The following is an entry in ClinVar:

NM_004431.5(EPHA2):c.2785G>T (p.Gly929Cys)

Gene: EPHA2 (EPH receptor A2; minus strand). Cytogenetic location: 1p36.13.
Variant type: single nucleotide variant.
Coding change: c.2785G>T on transcript NM_004431.5 (MANE Select); coding-DNA position 2785, G replaced by T.
Protein change: p.Gly929Cys; replaces glycine 929 with cysteine.
Molecular consequence: missense variant.
Genome position (GRCh38, 1-based): chr1:16,129,474, C>A on the plus strand (G>T on the coding strand, the complement: EPHA2 is on the minus strand). VCF-style: chr1-16129474-C-A. GRCh37 (hg19) VCF-style: chr1-16455969-C-A.
Other names: c.2623G>T, p.Gly875Cys (NM_001329090.2); short protein forms G929C, G875C.
Identifiers: ClinVar variation 4991335 (VCV004991335.1).

ClinVar aggregate classification (germline): Uncertain significance (1 of 4 stars; one submission).

Conditions:
EPHA2-related disorder. Also called: EPHA2-related condition.

Submission:

PreventionGenetics, part of Exact Sciences
Classification: Uncertain significance for EPHA2-related condition. Last evaluated: 2026-05-05. Review status: criteria provided, single submitter. Criteria: ACMG Guidelines, 2015. Collection method: clinical testing. Allele origin: germline.
Comment: The EPHA2 c.2785G>T variant is predicted to result in the amino acid substitution p.Gly929Cys. To our knowledge, this variant has not been reported in the literature. This variant is absent in a large population database (gnomAD), indicating this variant is rare. At this time, the clinical significance of this variant is uncertain due to the absence of conclusive functional and genetic evidence.